The following is an entry in ClinVar:

NM_000548.5(TSC2):c.643A>G (p.Ile215Val)

Gene: TSC2 (TSC complex subunit 2; plus strand). Cytogenetic location: 16p13.3.
Variant type: single nucleotide variant.
Coding change: c.643A>G on transcript NM_000548.5 (MANE Select); coding-DNA position 643, A replaced by G.
Protein change: p.Ile215Val; replaces isoleucine 215 with valine.
Molecular consequence: missense variant.
Genome position (GRCh38, 1-based): chr16:2,056,239, A>G. VCF-style: chr16-2056239-A-G. GRCh37 (hg19) VCF-style: chr16-2106240-A-G.
Other names: c.643A>G, p.Ile215Val (NM_001077183.3, NM_001114382.3, NM_001363528.2 and 3 more transcripts); c.532A>G, p.Ile178Val (NM_001318827.2); c.496A>G, p.Ile166Val (NM_001318829.2); c.43A>G, p.Ile15Val (NM_001318831.2); c.676A>G, p.Ile226Val (NM_001318832.2); c.643A>G (NM_000548.4); short protein forms I215V, I15V, I178V, I166V, I226V.
Identifiers: ClinVar variation 648100 (VCV000648100.17), dbSNP rs1293515155, ClinGen allele CA394311031.

ClinVar aggregate classification (germline): Conflicting classifications of pathogenicity. Review status: criteria provided, conflicting classifications (1 of 4 stars). 7 submissions from 7 submitters: Uncertain significance (6); Benign (1). Last evaluated 2026-01-20.

Conditions:
Hereditary cancer-predisposing syndrome. Also called: Neoplastic Syndromes, Hereditary; Tumor predisposition; Hereditary neoplastic syndrome; Hereditary Cancer Syndrome. Identifiers: Orphanet 140162, MedGen C0027672, MeSH D009386, MONDO:0015356.
Tuberous sclerosis 2 (TSC2). Identifiers: Orphanet 805, MedGen C1860707, MONDO:0013199, OMIM 613254.
Lymphangiomyomatosis (LAM). Also called: Lymphangioleiomyomatosis; Lymphangioleiomyomatosis, somatic. Identifiers: Orphanet 538, MedGen C0751674, MONDO:0011705, OMIM 606690.
Isolated focal cortical dysplasia type II (FCORD2). Also called: CORTICAL DYSPLASIA OF TAYLOR; Focal cortical dysplasia type II. Identifiers: Orphanet 268994, MedGen C1846385, MONDO:0011818, OMIM 607341, HP:0032051.
Tuberous sclerosis syndrome (TSC). Also called: Tuberous sclerosis; Tuberous Sclerosis Complex. Identifiers: Orphanet 805, MedGen C0041341, MONDO:0001734.
TSC2-related disorder. Also called: TSC2-Related Disorders; TSC2-related condition.

Allele frequency attached by ClinVar (database versions not stated): TOPMed below 0.00001; gnomAD 0.00001; gnomAD exomes 0.00001.
gnomAD v4.1: 13 of 1,613,892 alleles (0.00081%); highest among the groups gnomAD compares: East Asian, 0.0045%; no homozygotes.

Submissions (7):

Labcorp Genetics (formerly Invitae), Labcorp
Classification: Benign for Tuberous sclerosis 2. Last evaluated: 2026-01-20. Review status: criteria provided, single submitter. Criteria: Invitae Variant Classification Sherloc (09022015). Collection method: clinical testing. Allele origin: germline.

Color Diagnostics, LLC DBA Color Health
Classification: Uncertain significance for Tuberous sclerosis syndrome. Last evaluated: 2025-09-11. Review status: criteria provided, single submitter. Criteria: ACMG Guidelines, 2015. Collection method: clinical testing. Allele origin: germline.
Comment: This missense variant replaces isoleucine with valine at codon 215 of the TSC2 protein. Computational prediction is inconclusive regarding the impact of this variant on protein structure and function. To our knowledge, functional studies have not been reported for this variant. This variant has not been reported in individuals affected with TSC2-related disorders in the literature. This variant has been identified in 3/280316 chromosomes in the general population by the Genome Aggregation Database (gnomAD). The available evidence is insufficient to determine the role of this variant in disease conclusively. Therefore, this variant is classified as a Variant of Uncertain Significance.

PreventionGenetics, part of Exact Sciences
Classification: Uncertain significance for TSC2-related condition. Last evaluated: 2025-06-29. Review status: criteria provided, single submitter. Criteria: ACMG Guidelines, 2015. Collection method: clinical testing. Allele origin: germline.
Comment: The TSC2 c.643A>G variant is predicted to result in the amino acid substitution p.Ile215Val. To our knowledge, this variant has not been reported in the literature. This variant is reported in 0.0050% of alleles in individuals of East Asian descent in gnomAD and has conflicting interpretations in ClinVar ranging from uncertain significance to benign. At this time, the clinical significance of this variant is uncertain due to the absence of conclusive functional and genetic evidence.

Fulgent Genetics
Classification: Uncertain significance for Lymphangiomyomatosis; Isolated focal cortical dysplasia type II; Tuberous sclerosis 2. Last evaluated: 2024-05-12. Review status: criteria provided, single submitter. Criteria: ACMG Guidelines, 2015. Collection method: clinical testing. Allele origin: germline.

Ambry Genetics
Classification: Uncertain significance for Hereditary cancer-predisposing syndrome. Last evaluated: 2024-04-25. Review status: criteria provided, single submitter. Criteria: Ambry Variant Classification Scheme 2023. Collection method: clinical testing. Allele origin: germline.
Comment: The p.I215V variant (also known as c.643A>G), located in coding exon 6 of the TSC2 gene, results from an A to G substitution at nucleotide position 643. The isoleucine at codon 215 is replaced by valine, an amino acid with highly similar properties. This amino acid position is highly conserved in available vertebrate species. In addition, the in silico prediction for this alteration is inconclusive. Based on the available evidence, the clinical significance of this variant remains unclear.

Genome-Nilou Lab
Classification: Uncertain significance for Tuberous sclerosis 2. Last evaluated: 2021-11-07. Review status: criteria provided, single submitter. Criteria: ACMG Guidelines, 2015. Collection method: clinical testing. Allele origin: germline. Affected: no.

GeneDx
Classification: Uncertain significance. Last evaluated: 2019-12-16. Review status: criteria provided, single submitter. Criteria: GeneDx Variant Classification Process June 2021. Collection method: clinical testing. Allele origin: germline. Affected: yes.
Comment: In silico analysis, which includes protein predictors and evolutionary conservation, supports that this variant does not alter protein structure/function; Has not been previously published as pathogenic or benign to our knowledge